The following is an entry in ClinVar:

NM_005144.5(HR):c.2507G>T (p.Arg836Leu)

Gene: HR (HR lysine demethylase and nuclear receptor corepressor; minus strand). Cytogenetic location: 8p21.3.
Variant type: single nucleotide variant.
Coding change: c.2507G>T on transcript NM_005144.5 (MANE Select); coding-DNA position 2507, G replaced by T.
Protein change: p.Arg836Leu; replaces arginine 836 with leucine.
Molecular consequence: missense variant.
Genome position (GRCh38, 1-based): chr8:22,120,819, C>A on the plus strand (G>T on the coding strand, the complement: HR is on the minus strand). VCF-style: chr8-22120819-C-A. GRCh37 (hg19) VCF-style: chr8-21978332-C-A.
Other names: c.2507G>T, p.Arg836Leu (NM_018411.4); short protein forms R836L.
Identifiers: ClinVar variation 362493 (VCV000362493.12), dbSNP rs201739936, ClinGen allele CA4662092.

ClinVar aggregate classification (germline): Conflicting classifications of pathogenicity. Review status: criteria provided, conflicting classifications (1 of 4 stars). 5 submissions from 4 submitters: Uncertain significance (1); Likely benign (4). Last evaluated 2025-10-26.

Conditions:
Inborn genetic diseases. Identifiers: MedGen C0950123, MeSH D030342.
Alopecia universalis congenita (ALUNC). Also called: ATRICHIA, GENERALIZED. Identifiers: Orphanet 701, MedGen C1859877, MONDO:0008757, OMIM 203655.
Atrichia with papular lesions (APL). Also called: PAPULAR ATRICHIA. Identifiers: Orphanet 86819, MedGen C1859592, MONDO:0008847, OMIM 209500.
HR-related disorder. Also called: HR-related condition; HR-related disorders. Identifiers: MedGen CN239293.

Allele frequency attached by ClinVar (database versions not stated): 1000 Genomes Project 30x 0.00047; 1000 Genomes Project 0.00060; ESP Exome Variant Server 0.00099; TOPMed 0.00099.
gnomAD v4.1: 2,196 of 1,548,622 alleles (0.14%); highest among the groups gnomAD compares: Non-Finnish European, 0.17%; 2 homozygotes.

Submissions (5):

Labcorp Genetics (formerly Invitae), Labcorp
Classification: Likely benign. Last evaluated: 2025-10-26. Review status: criteria provided, single submitter. Criteria: Invitae Variant Classification Sherloc (09022015). Collection method: clinical testing. Allele origin: germline.

PreventionGenetics, part of Exact Sciences
Classification: Likely benign for HR-related condition. Last evaluated: 2025-09-19. Review status: criteria provided, single submitter. Criteria: ACMG Guidelines, 2015. Collection method: clinical testing. Allele origin: germline.
Comment: This variant is classified as likely benign based on ACMG/AMP sequence variant interpretation guidelines (Richards et al. 2015 PMID: 25741868, with internal and published modifications).

Ambry Genetics
Classification: Uncertain significance for Inborn genetic diseases. Last evaluated: 2023-08-14. Review status: criteria provided, single submitter. Criteria: Ambry Variant Classification Scheme 2023. Collection method: clinical testing. Allele origin: germline.

Illumina Laboratory Services, Illumina
Classification: Likely benign for Atrichia with papular lesions. Last evaluated: 2018-01-12. Review status: criteria provided, single submitter. Criteria: ICSL Variant Classification Criteria 13 December 2019. Collection method: clinical testing. Allele origin: germline.
Comment: This variant was observed in the ICSL laboratory as part of a predisposition screen in an ostensibly healthy population. It had not been previously curated by ICSL or reported in the Human Gene Mutation Database (HGMD: prior to June 1st, 2018), and was therefore a candidate for classification through an automated scoring system. Utilizing variant allele frequency, disease prevalence and penetrance estimates, and inheritance mode, an automated score was calculated to assess if this variant is too frequent to cause the disease. Based on the score and internal cut-off values, a variant classified as likely benign is not then subjected to further curation. The score for this variant resulted in a classification of likely benign for this disease.

Illumina Laboratory Services, Illumina
Classification: Likely benign for Alopecia universalis congenita. Last evaluated: 2018-01-12. Review status: criteria provided, single submitter. Criteria: ICSL Variant Classification Criteria 13 December 2019. Collection method: clinical testing. Allele origin: germline.
Comment: the same text as in the submission from Illumina Laboratory Services, Illumina above.